The following is an entry in ClinVar:

NM_001854.4(COL11A1):c.48T>G (p.Asp16Glu)

Gene: COL11A1 (collagen type XI alpha 1 chain; minus strand). Cytogenetic location: 1p21.1.
Variant type: single nucleotide variant.
Coding change: c.48T>G on transcript NM_001854.4 (MANE Select); coding-DNA position 48, T replaced by G.
Protein change: p.Asp16Glu; replaces aspartic acid 16 with glutamic acid.
Molecular consequence: missense variant. On other transcripts: non-coding transcript variant (1).
Genome position (GRCh38, 1-based): chr1:103,108,131, A>C on the plus strand (T>G on the coding strand, the complement: COL11A1 is on the minus strand). VCF-style: chr1-103108131-A-C. GRCh37 (hg19) VCF-style: chr1-103573687-A-C.
Other names: c.48T>G, p.Asp16Glu (NM_001190709.2, NM_080629.3, NM_080630.4); short protein forms D16E.
Identifiers: ClinVar variation 3378182 (VCV003378182.1).

ClinVar aggregate classification (germline): Uncertain significance (1 of 4 stars; one submission).

Submission:

GeneDx
Classification: Uncertain significance. Last evaluated: 2024-05-16. Review status: criteria provided, single submitter. Criteria: GeneDx Variant Classification Process June 2021. Collection method: clinical testing. Allele origin: germline. Affected: yes.
Comment: Not observed at significant frequency in large population cohorts (gnomAD); In silico analysis indicates that this missense variant does not alter protein structure/function; Has not been previously published as pathogenic or benign to our knowledge; This variant is associated with the following publications: (PMID: 25240749)